The following is an entry in ClinVar:

ClinVar aggregate classification (germline): Uncertain significance (1 of 4 stars; one submission).

gnomAD v4.1: 2 of 1,613,402 alleles (0.00012%); highest among the groups gnomAD compares: Non-Finnish European, 0.00017%; no homozygotes.

Submission:

Ambry Genetics
Classification: Uncertain significance. Last evaluated: 2024-12-20. Review status: criteria provided, single submitter. Criteria: Ambry Variant Classification Scheme 2023. Collection method: clinical testing. Allele origin: germline.
Comment: The p.L38V variant (also known as c.112C>G), located in coding exon 2 of the RAD51B gene, results from a C to G substitution at nucleotide position 112. The leucine at codon 38 is replaced by valine, an amino acid with highly similar properties. This amino acid position is conserved. In addition, the in silico prediction for this alteration is inconclusive. Based on the available evidence, the clinical significance of this variant remains unclear.

NM_133510.4(RAD51B):c.112C>G (p.Leu38Val)

Gene: RAD51B (RAD51 paralog B; plus strand). Cytogenetic location: 14q24.1.
Variant type: single nucleotide variant.
Coding change: c.112C>G on transcript NM_133510.4 (MANE Select); coding-DNA position 112, C replaced by G.
Protein change: p.Leu38Val; replaces leucine 38 with valine.
Molecular consequence: missense variant. On other transcripts: 5 prime UTR variant (2).
Genome position (GRCh38, 1-based): chr14:67,825,491, C>G. VCF-style: chr14-67825491-C-G. GRCh37 (hg19) VCF-style: chr14-68292208-C-G.
Other names: c.112C>G, p.Leu38Val (NM_001321809.2, NM_001321810.2, NM_001321812.1 and 6 more transcripts); c.-3C>G (NM_001321815.1); c.-344C>G (NM_001321817.2); short protein forms L38V.
Identifiers: ClinVar variation 3786387 (VCV003786387.1).